The following is an entry in ClinVar:

NM_000891.3(KCNJ2):c.643G>T (p.Gly215Cys)

Gene: KCNJ2 (potassium inwardly rectifying channel subfamily J member 2; plus strand). Cytogenetic location: 17q24.3.
Variant type: single nucleotide variant.
Coding change: c.643G>T on transcript NM_000891.3 (MANE Select); coding-DNA position 643, G replaced by T.
Protein change: p.Gly215Cys; replaces glycine 215 with cysteine.
Molecular consequence: missense variant.
Genome position (GRCh38, 1-based): chr17:70,175,682, G>T. VCF-style: chr17-70175682-G-T. GRCh37 (hg19) VCF-style: chr17-68171823-G-T.
Other names: short protein forms G215C.
Identifiers: ClinVar variation 2950936 (VCV002950936.3), dbSNP rs2509921294, ClinGen allele CA400861437.

ClinVar aggregate classification (germline): Uncertain significance (1 of 4 stars; one submission).

Conditions:
Andersen Tawil syndrome (LQT7). Also called: ANDERSEN CARDIODYSRHYTHMIC PERIODIC PARALYSIS; LONG QT SYNDROME 7; PERIODIC PARALYSIS, POTASSIUM-SENSITIVE CARDIODYSRHYTHMIC TYPE; Andersen Syndrome; Potassium-sensitive periodic paralysis, ventricular ectopy, and dysmorphic features. Identifiers: Orphanet 37553, MedGen C1563715, MONDO:0008222, OMIM 170390.
Short QT syndrome type 3. Identifiers: Orphanet 51083, MedGen C1865018, MONDO:0012314, OMIM 609622.

Submission:

Labcorp Genetics (formerly Invitae), Labcorp
Classification: Uncertain significance for Short QT syndrome type 3; Andersen Tawil syndrome. Last evaluated: 2023-08-11. Review status: criteria provided, single submitter. Criteria: Invitae Variant Classification Sherloc (09022015). Collection method: clinical testing. Allele origin: germline.
Comment: In summary, the available evidence is currently insufficient to determine the role of this variant in disease. Therefore, it has been classified as a Variant of Uncertain Significance. This variant disrupts the p.Gly215 amino acid residue in KCNJ2. Other variant(s) that disrupt this residue have been determined to be pathogenic (PMID: 12689820, 17221872, 20382953, 26927354). This suggests that this residue is clinically significant, and that variants that disrupt this residue are likely to be disease-causing. Advanced modeling of protein sequence and biophysical properties (such as structural, functional, and spatial information, amino acid conservation, physicochemical variation, residue mobility, and thermodynamic stability) performed at Invitae indicates that this missense variant is expected to disrupt KCNJ2 protein function. This variant has not been reported in the literature in individuals affected with KCNJ2-related conditions. This variant is not present in population databases (gnomAD no frequency). This sequence change replaces glycine, which is neutral and non-polar, with cysteine, which is neutral and slightly polar, at codon 215 of the KCNJ2 protein (p.Gly215Cys).

Literature cited by the submitters: PubMed 12689820; PubMed 17221872; PubMed 20382953; PubMed 26927354.